The following is an entry in ClinVar:

ClinVar aggregate classification (germline): Benign. Review status: criteria provided, multiple submitters, no conflicts (2 of 4 stars). 5 submissions from 5 submitters: Benign (5). Last evaluated 2024-11-27.

Conditions:
Meier-Gorlin syndrome 3 (MGORS3). Identifiers: Orphanet 2554, MedGen C3151113, MONDO:0013430, OMIM 613803.

Allele frequency attached by ClinVar (database versions not stated): 1000 Genomes Project 0.19409; TOPMed 0.31755; gnomAD 0.33164 and 0.33690; ESP Exome Variant Server 0.34123; gnomAD exomes 0.34240 and 0.43908; ExAC 0.42638.
gnomAD v4.1: 681,835 of 1,592,648 alleles (43%); highest among the groups gnomAD compares: Non-Finnish European, 48%; 157,941 homozygotes.

Submissions (5):

Blueprint Genetics
Classification: Benign. Last evaluated: 2024-11-27. Review status: criteria provided, single submitter. Criteria: ACMG Guidelines, 2015. Collection method: clinical testing. Allele origin: germline.

Genome-Nilou Lab
Classification: Benign for Meier-Gorlin syndrome 3. Last evaluated: 2021-09-05. Review status: criteria provided, single submitter. Criteria: ACMG Guidelines, 2015. Collection method: clinical testing. Allele origin: germline. Affected: no.

Illumina Laboratory Services, Illumina
Classification: Benign for Meier-Gorlin syndrome 3. Last evaluated: 2018-01-13. Review status: criteria provided, single submitter. Criteria: ICSL Variant Classification Criteria 13 December 2019. Collection method: clinical testing. Allele origin: germline.
Comment: This variant was observed in the ICSL laboratory as part of a predisposition screen in an ostensibly healthy population. It had not been previously curated by ICSL or reported in the Human Gene Mutation Database (HGMD: prior to June 1st, 2018), and was therefore a candidate for classification through an automated scoring system. Utilizing variant allele frequency, disease prevalence and penetrance estimates, and inheritance mode, an automated score was calculated to assess if this variant is too frequent to cause the disease. Based on the score and internal cut-off values, a variant classified as benign is not then subjected to further curation. The score for this variant resulted in a classification of benign for this disease.

Breakthrough Genomics
Classification: Benign. Review status: criteria provided, single submitter. Criteria: ACMG Guidelines, 2015. Collection method: not provided. Allele origin: germline. Inheritance: Autosomal recessive inheritance. Affected: yes.

PreventionGenetics, part of Exact Sciences
Classification: Benign. Review status: criteria provided, single submitter. Criteria: ACMG Guidelines, 2015. Collection method: clinical testing. Allele origin: germline.

NM_014321.4(ORC6):c.-20T>C

Gene: ORC6 (origin recognition complex subunit 6; plus strand). Cytogenetic location: 16q11.2.
Variant type: single nucleotide variant.
Coding change: c.-20T>C on transcript NM_014321.4 (MANE Select); 20 bases upstream of the start codon, T replaced by C.
Molecular consequence: 5 prime UTR variant. On other transcripts: non-coding transcript variant (1).
Genome position (GRCh38, 1-based): chr16:46,689,686, T>C. VCF-style: chr16-46689686-T-C. GRCh37 (hg19) VCF-style: chr16-46723598-T-C.
Identifiers: ClinVar variation 260386 (VCV000260386.11), dbSNP rs33994299, ClinGen allele CA8037229.
Genomic context (GRCh38, chr16:46,689,686, plus strand): 5'-CACTGGCCGGTGCAGCCTTTGCGCGCGGGTTTCGTTGACCCGCGGCGTTCACGGGAATTG[T>C]TCGCTTTAGTGCCGGCGCCATGGGGTCGGAGCTGATCGGGCGCCTAGCCCCGCGCCTGGG-3'